The following is an entry in ClinVar:

ClinVar aggregate classification (germline): Uncertain significance. Review status: criteria provided, multiple submitters, no conflicts (2 of 4 stars). 2 submissions from 2 submitters: Uncertain significance (2). Last evaluated 2024-09-17.

Conditions:
Deficiency of butyryl-CoA dehydrogenase (ACADSD). Also called: SCAD Deficiency; SCAD DEFICIENCY, MILD; ACYL-CoA DEHYDROGENASE, SHORT-CHAIN, DEFICIENCY OF; ACADS DEFICIENCY; Short-Chain Acyl-CoA Dehydrogenase Deficiency; SCADH DEFICIENCY. Identifiers: Orphanet 26792, MedGen C0342783, MONDO:0008722, OMIM 201470. Disease mechanism: May be benign.

Allele frequency attached by ClinVar (database versions not stated): gnomAD 0.00001; gnomAD exomes 0.00001; ExAC 0.00002; TOPMed 0.00003.

Submissions (2):

Blueprint Genetics
Classification: Uncertain significance. Last evaluated: 2024-09-17. Review status: criteria provided, single submitter. Criteria: ACMG Guidelines, 2015. Collection method: clinical testing. Allele origin: germline.

Labcorp Genetics (formerly Invitae), Labcorp
Classification: Uncertain significance for Deficiency of butyryl-CoA dehydrogenase. Last evaluated: 2022-07-19. Review status: criteria provided, single submitter. Criteria: Invitae Variant Classification Sherloc (09022015). Collection method: clinical testing. Allele origin: germline.
Comment: This sequence change replaces arginine, which is basic and polar, with cysteine, which is neutral and slightly polar, at codon 247 of the ACADS protein (p.Arg247Cys). This variant is present in population databases (rs760389122, gnomAD 0.005%). This variant has not been reported in the literature in individuals affected with ACADS-related conditions. ClinVar contains an entry for this variant (Variation ID: 1514964). Algorithms developed to predict the effect of missense changes on protein structure and function are either unavailable or do not agree on the potential impact of this missense change (SIFT: "Deleterious"; PolyPhen-2: "Benign"; Align-GVGD: "Class C45"). In summary, the available evidence is currently insufficient to determine the role of this variant in disease. Therefore, it has been classified as a Variant of Uncertain Significance.

NM_000017.4(ACADS):c.739C>T (p.Arg247Cys)

Gene: ACADS (acyl-CoA dehydrogenase short chain; plus strand). Cytogenetic location: 12q24.31.
Variant type: single nucleotide variant.
Coding change: c.739C>T on transcript NM_000017.4 (MANE Select); coding-DNA position 739, C replaced by T.
Protein change: p.Arg247Cys; replaces arginine 247 with cysteine.
Molecular consequence: missense variant.
Genome position (GRCh38, 1-based): chr12:120,738,394, C>T. VCF-style: chr12-120738394-C-T. GRCh37 (hg19) VCF-style: chr12-121176197-C-T.
Other names: c.727C>T, p.Arg243Cys (NM_001302554.2); short protein forms R243C, R247C.
Identifiers: ClinVar variation 1514964 (VCV001514964.5), dbSNP rs760389122, ClinGen allele CA6831046.
Genomic context (GRCh38, chr12:120,738,394, plus strand): 5'-AAAGAAGACAAGCTGGGCATCCGGGGCTCATCCACGGCCAACCTCATCTTTGAGGACTGT[C>T]GCATCCCCAAGGACAGCATCCTGGGGGAGCCAGGGATGGGCTTCAAGATAGCCATGGTGA-3'
Protein context (NP_000008.1, residues 237-257): STANLIFEDC[Arg247Cys]IPKDSILGEP